The following is an entry in ClinVar:

ClinVar aggregate classification (germline): Uncertain significance (1 of 4 stars; one submission).

Allele frequency attached by ClinVar (database versions not stated): TOPMed 0.00002.

Submission:

Labcorp Genetics (formerly Invitae), Labcorp
Classification: Uncertain significance. Last evaluated: 2023-07-12. Review status: criteria provided, single submitter. Criteria: Invitae Variant Classification Sherloc (09022015). Collection method: clinical testing. Allele origin: germline.
Comment: In summary, the available evidence is currently insufficient to determine the role of this variant in disease. Therefore, it has been classified as a Variant of Uncertain Significance. An algorithm developed to predict the effect of missense changes on protein structure and function (PolyPhen-2) suggests that this variant is likely to be tolerated. This variant has not been reported in the literature in individuals affected with PIEZO1-related conditions. This variant is not present in population databases (gnomAD no frequency). This sequence change replaces aspartic acid, which is acidic and polar, with asparagine, which is neutral and polar, at codon 156 of the PIEZO1 protein (p.Asp156Asn).

NM_001142864.4(PIEZO1):c.466G>A (p.Asp156Asn)

Genes: HSALR1 (HSP90AB1 associated lncRNA 1; plus strand), PIEZO1 (piezo type mechanosensitive ion channel component 1 (Er blood group); minus strand). Cytogenetic location: 16q24.3.
Variant type: single nucleotide variant.
Coding change: c.466G>A on transcript NM_001142864.4 (MANE Select); coding-DNA position 466, G replaced by A.
Protein change: p.Asp156Asn; replaces aspartic acid 156 with asparagine.
Molecular consequence: missense variant. On other transcripts: non-coding transcript variant (1).
Genome position (GRCh38, 1-based): chr16:88,738,736, C>T on the plus strand (G>A on the coding strand, the complement: PIEZO1 is on the minus strand). VCF-style: chr16-88738736-C-T. GRCh37 (hg19) VCF-style: chr16-88805144-C-T.
Other names: short protein forms D156N.
Identifiers: ClinVar variation 2802500 (VCV002802500.3), dbSNP rs1202861736, ClinGen allele CA397123733.